The following is an entry in ClinVar:

ClinVar aggregate classification (germline): Likely benign. Review status: criteria provided, multiple submitters, no conflicts (2 of 4 stars). 3 submissions from 3 submitters: Likely benign (3). Last evaluated 2026-09-01.

Conditions:
BICD2-related disorder. Also called: BICD2-related condition.
Inborn genetic diseases. Identifiers: MedGen C0950123, MeSH D030342.
Autosomal dominant childhood-onset proximal spinal muscular atrophy with contractures (SMALED2A). Also called: SPINAL MUSCULAR ATROPHY, LOWER EXTREMITY-PREDOMINANT, 2A, CHILDHOOD ONSET, AUTOSOMAL DOMINANT; Spinal muscular atrophy, lower extremity-predominant, 2A, autosomal dominant. Identifiers: Orphanet 363447, Orphanet 363454, MedGen C4747715, MONDO:0014121, OMIM 615290.

Allele frequency attached by ClinVar (database versions not stated): 1000 Genomes Project 0.00020; TOPMed 0.00006; ESP Exome Variant Server 0.00015; 1000 Genomes Project 30x 0.00016; ExAC 0.00002; gnomAD exomes 0.00003.
gnomAD v4.1: 28 of 1,614,168 alleles (0.0017%); highest among the groups gnomAD compares: Admixed American, 0.018%; no homozygotes.

Submissions (3):

PreventionGenetics, part of Exact Sciences
Classification: Likely benign for BICD2-related condition. Last evaluated: 2026-09-01. Review status: criteria provided, single submitter. Criteria: ACMG Guidelines, 2015. Collection method: clinical testing. Allele origin: germline.
Comment: This variant is classified as likely benign based on ACMG/AMP sequence variant interpretation guidelines (Richards et al. 2015 PMID: 25741868, with internal and published modifications).

Labcorp Genetics (formerly Invitae), Labcorp
Classification: Likely benign for Autosomal dominant childhood-onset proximal spinal muscular atrophy with contractures. Last evaluated: 2025-06-29. Review status: criteria provided, single submitter. Criteria: Invitae Variant Classification Sherloc (09022015). Collection method: clinical testing. Allele origin: germline.

Ambry Genetics
Classification: Likely benign for Inborn genetic diseases. Last evaluated: 2019-07-11. Review status: criteria provided, single submitter. Criteria: Ambry Variant Classification Scheme 2023. Collection method: clinical testing. Allele origin: germline.

NM_001003800.2(BICD2):c.729G>A (p.Ala243=)

Gene: BICD2 (BICD cargo adaptor 2; minus strand). Cytogenetic location: 9q22.31.
Variant type: single nucleotide variant.
Coding change: c.729G>A on transcript NM_001003800.2 (MANE Select); coding-DNA position 729, G replaced by A.
Protein change: p.Ala243=; no amino-acid change (alanine 243 retained).
Molecular consequence: synonymous variant.
Genome position (GRCh38, 1-based): chr9:92,720,633, C>T on the plus strand (G>A on the coding strand, the complement: BICD2 is on the minus strand). VCF-style: chr9-92720633-C-T. GRCh37 (hg19) VCF-style: chr9-95482915-C-T.
Other names: c.729G>A, p.Ala243= (NM_015250.4).
Identifiers: ClinVar variation 474281 (VCV000474281.12), dbSNP rs200066450, ClinGen allele CA5126737.
Genomic context (GRCh38, chr9:92,720,633, plus strand): 5'-GTGTGACAGCTCCTTGCGCAGGCTGTTCTTCTGTTCGCGCTCCGTCTTCAGGGTCTCCAG[C>T]GCCTCCTCCAGCTGCCGCTCTGAGATCTCCTTGAGGCGGATGGCATCCTCCAGCTGGCTG-3'
Protein context (NP_001003800.1, residues 233-253): KEISERQLEE[Ala243=]LETLKTEREQ